The following is an entry in ClinVar:

ClinVar aggregate classification (germline): Uncertain significance. Review status: criteria provided, multiple submitters, no conflicts (2 of 4 stars). 2 submissions from 2 submitters: Uncertain significance (2). Last evaluated 2024-12-03.

Conditions:
Spermatogenic failure 18. Identifiers: MedGen C4539783, MONDO:0054615, OMIM 617576.
Ciliary dyskinesia, primary, 37 (CILD37). Also called: CILIARY DYSKINESIA, PRIMARY, 37, WITH OR WITHOUT SITUS INVERSUS. Identifiers: MedGen C4539798, MONDO:0033204, OMIM 617577.

Allele frequency attached by ClinVar (database versions not stated): ExAC 0.00001; gnomAD 0.00001; TOPMed 0.00003; ESP Exome Variant Server 0.00008.
gnomAD v4.1: 45 of 1,602,630 alleles (0.0028%); highest among the groups gnomAD compares: Non-Finnish European, 0.0036%; no homozygotes.

Submissions (2):

Labcorp Genetics (formerly Invitae), Labcorp
Classification: Uncertain significance for Ciliary dyskinesia, primary, 37; Spermatogenic failure 18. Last evaluated: 2024-12-03. Review status: criteria provided, single submitter. Criteria: Invitae Variant Classification Sherloc (09022015). Collection method: clinical testing. Allele origin: germline.
Comment: This sequence change replaces arginine, which is basic and polar, with glutamine, which is neutral and polar, at codon 3057 of the DNAH1 protein (p.Arg3057Gln). This variant is present in population databases (rs371031830, gnomAD 0.009%). This variant has not been reported in the literature in individuals affected with DNAH1-related conditions. ClinVar contains an entry for this variant (Variation ID: 1928184). An algorithm developed to predict the effect of missense changes on protein structure and function (PolyPhen-2) suggests that this variant is likely to be disruptive. In summary, the available evidence is currently insufficient to determine the role of this variant in disease. Therefore, it has been classified as a Variant of Uncertain Significance.

Ambry Genetics
Classification: Uncertain significance. Last evaluated: 2021-10-22. Review status: criteria provided, single submitter. Criteria: Ambry Variant Classification Scheme 2023. Collection method: clinical testing. Allele origin: germline.

NM_015512.5(DNAH1):c.9170G>A (p.Arg3057Gln)

Gene: DNAH1 (dynein axonemal heavy chain 1; plus strand). Cytogenetic location: 3p21.1.
Variant type: single nucleotide variant.
Coding change: c.9170G>A on transcript NM_015512.5 (MANE Select); coding-DNA position 9170, G replaced by A.
Protein change: p.Arg3057Gln; replaces arginine 3057 with glutamine.
Molecular consequence: missense variant.
Genome position (GRCh38, 1-based): chr3:52,388,333, G>A. VCF-style: chr3-52388333-G-A. GRCh37 (hg19) VCF-style: chr3-52422349-G-A.
Other names: short protein forms R3057Q.
Identifiers: ClinVar variation 1928184 (VCV001928184.6), dbSNP rs371031830, ClinGen allele CA2435396.